The following is an entry in ClinVar:

ClinVar aggregate classification (germline): Uncertain significance. Review status: criteria provided, multiple submitters, no conflicts (2 of 4 stars). 2 submissions from 2 submitters: Uncertain significance (2). Last evaluated 2025-05-30.

Conditions:
Emery-Dreifuss muscular dystrophy 5, autosomal dominant (EDMD5). Also called: EMERY-DREIFUSS MUSCULAR DYSTROPHY 5. Identifiers: Orphanet 261, MedGen C2751805, MONDO:0013072, OMIM 612999.

Allele frequency attached by ClinVar (database versions not stated): gnomAD exomes below 0.00001.
gnomAD v4.1: 5 of 1,614,184 alleles (0.00031%); highest among the groups gnomAD compares: Non-Finnish European, 0.00042%; no homozygotes.

Submissions (2):

Labcorp Genetics (formerly Invitae), Labcorp
Classification: Uncertain significance for Emery-Dreifuss muscular dystrophy 5, autosomal dominant. Last evaluated: 2025-05-30. Review status: criteria provided, single submitter. Criteria: Invitae Variant Classification Sherloc (09022015). Collection method: clinical testing. Allele origin: germline.
Comment: This sequence change replaces threonine, which is neutral and polar, with alanine, which is neutral and non-polar, at codon 4517 of the SYNE2 protein (p.Thr4517Ala). This variant is not present in population databases (gnomAD no frequency). This variant has not been reported in the literature in individuals affected with SYNE2-related conditions. ClinVar contains an entry for this variant (Variation ID: 448626). An algorithm developed to predict the effect of missense changes on protein structure and function outputs the following: PolyPhen-2: "Benign". The alanine amino acid residue is found in multiple mammalian species, which suggests that this missense change does not adversely affect protein function. In summary, the available evidence is currently insufficient to determine the role of this variant in disease. Therefore, it has been classified as a Variant of Uncertain Significance.

Athena Diagnostics
Classification: Uncertain significance. Last evaluated: 2017-04-19. Review status: criteria provided, single submitter. Criteria: Athena Diagnostics Criteria. Collection method: clinical testing. Allele origin: germline.

NM_182914.3(SYNE2):c.13549A>G (p.Thr4517Ala)

Gene: SYNE2 (spectrin repeat containing nuclear envelope protein 2; plus strand). Cytogenetic location: 14q23.2.
Variant type: single nucleotide variant.
Coding change: c.13549A>G on transcript NM_182914.3 (MANE Select); coding-DNA position 13549, A replaced by G.
Protein change: p.Thr4517Ala; replaces threonine 4517 with alanine.
Molecular consequence: missense variant.
Genome position (GRCh38, 1-based): chr14:64,125,205, A>G. VCF-style: chr14-64125205-A-G. GRCh37 (hg19) VCF-style: chr14-64591923-A-G.
Other names: c.13549A>G, p.Thr4517Ala (NM_015180.6); short protein forms T4517A.
Identifiers: ClinVar variation 448626 (VCV000448626.5), dbSNP rs980737727, ClinGen allele CA261848246.